The following is an entry in ClinVar:

ClinVar aggregate classification (germline): Uncertain significance. Review status: criteria provided, multiple submitters, no conflicts (2 of 4 stars). 3 submissions from 3 submitters: Uncertain significance (2). 1 of the submissions does not count toward it. Last evaluated 2022-09-07.

Conditions:
Glycogen storage disease, type II (IOPD). Also called: Glycogen storage disease type 2; Acid maltase deficiency disease; Aglucosidase alfa; Deficiency of alpha-glucosidase; Deficiency of lysosomal alpha-glucosidase; ACID MALTASE DEFICIENCY, INFANTILE-ONSET. Identifiers: Orphanet 365, MedGen C0017921, MONDO:0009290, OMIM 232300.

Allele frequency attached by ClinVar (database versions not stated): ExAC 0.00001; gnomAD 0.00001; gnomAD exomes 0.00001; TOPMed 0.00001; 1000 Genomes Project 30x 0.00016; 1000 Genomes Project 0.00020.

Submissions (3):

Labcorp Genetics (formerly Invitae), Labcorp
Classification: Uncertain significance for Glycogen storage disease, type II. Last evaluated: 2022-09-07. Review status: criteria provided, single submitter. Criteria: Invitae Variant Classification Sherloc (09022015). Collection method: clinical testing. Allele origin: germline.
Comment: This sequence change replaces glutamic acid, which is acidic and polar, with lysine, which is basic and polar, at codon 801 of the GAA protein (p.Glu801Lys). This variant is present in population databases (rs201980859, gnomAD 0.003%). This variant has not been reported in the literature in individuals affected with GAA-related conditions. ClinVar contains an entry for this variant (Variation ID: 946935). Advanced modeling of protein sequence and biophysical properties (such as structural, functional, and spatial information, amino acid conservation, physicochemical variation, residue mobility, and thermodynamic stability) performed at Invitae indicates that this missense variant is not expected to disrupt GAA protein function. In summary, the available evidence is currently insufficient to determine the role of this variant in disease. Therefore, it has been classified as a Variant of Uncertain Significance.

Revvity Omics, Revvity
Classification: Uncertain significance. Last evaluated: 2019-06-24. Review status: criteria provided, single submitter. Criteria: ACMG Guidelines, 2015. Collection method: clinical testing. Allele origin: germline.

Natera, Inc.
Classification: Uncertain significance for Glycogen storage disease type II. Last evaluated: 2020-08-06. Review status: no assertion criteria provided. Collection method: clinical testing. Allele origin: germline. Not counted in ClinVar's aggregate classification.

NM_000152.5(GAA):c.2401G>A (p.Glu801Lys)

Gene: GAA (alpha glucosidase; plus strand). Cytogenetic location: 17q25.3.
Variant type: single nucleotide variant.
Coding change: c.2401G>A on transcript NM_000152.5 (MANE Select); coding-DNA position 2401, G replaced by A.
Protein change: p.Glu801Lys; replaces glutamic acid 801 with lysine.
Molecular consequence: missense variant.
Genome position (GRCh38, 1-based): chr17:80,117,669, G>A. VCF-style: chr17-80117669-G-A. GRCh37 (hg19) VCF-style: chr17-78091468-G-A.
Other names: c.2401G>A, p.Glu801Lys (NM_001079803.3, NM_001079804.3); short protein forms E801K.
Identifiers: ClinVar variation 946935 (VCV000946935.10), dbSNP rs201980859, ClinGen allele CA8815727.